The following is an entry in ClinVar:

NM_201596.3(CACNB2):c.456+24_456+25insTTTTTTTTTCTTTTTCTTTTTTTTTTTTTTTTTTTTTTTTGAGACAGAGTCTTGCTGTGTCACCCAGGCTGGAGTGCAGTNNNNNNNNNNAGGATGGTCTCGATCTCCTGACCTCGTGATCCGCCCGCCTCGGCCTCCCAAAGTGCTGGGATTACAGGCGTGAGCCACCGCGCCCGGCAATAATTTCATTTTCT

Gene: CACNB2 (calcium voltage-gated channel auxiliary subunit beta 2; plus strand). Cytogenetic location: 10p12.31.
Variant type: Microsatellite.
Coding change: c.456+24_456+25insTTTTTTTTTCTTTTTCTTTTTTTTTTTTTTTTTTTTTTTTGAGACAGAGTCTTGCTGTGTCACCCAGGCTGGAGTGCAGTNNNNNNNNNNAGGATGGTCTCGATCTCCTGACCTCGTGATCCGCCCGCCTCGGCCTCCCAAAGTGCTGGGATTACAGGCGTGAGCCACCGCGCCCGGCAATAATTTCATTTTCT on transcript NM_201596.3 (MANE Select); bases 24 to 25 of the intron after coding-DNA position 456, TTTTTTTTTCTTTTTCTTTTTTTTTTTTTTTTTTTTTTTTGAGACAGAGTCTTGCTGTGTCACCCAGGCTGGAGTGCAGTNNNNNNNNNNAGGATGGTCTCGATCTCCTGACCTCGTGATCCGCCCGCCTCGGCCTCCCAAAGTGCTGGGATTACAGGCGTGAGCCACCGCGCCCGGCAATAATTTCATTTTCT inserted.
Molecular consequence: intron variant.
Genome position: GRCh38: chr10:18,498,486-18,498,501. GRCh37 (hg19): chr10:18,787,415-18,787,430.
Other names: c.372+24_372+25insTTTTTTTTTCTTTTTCTTTTTTTTTTTTTTTTTTTTTTTTGAGACAGAGTCTTGCTGTGTCACCCAGGCTGGAGTGCAGTNNNNNNNNNNAGGATGGTCTCGATCTCCTGACCTCGTGATCCGCCCGCCTCGGCCTCCCAAAGTGCTGGGATTACAGGCGTGAGCCACCGCGCCCGGCAATAATTTCATTTTCT (NM_201571.4, NM_001167945.2, NM_201572.4); c.456+24_456+25insTTTTTTTTTCTTTTTCTTTTTTTTTTTTTTTTTTTTTTTTGAGACAGAGTCTTGCTGTGTCACCCAGGCTGGAGTGCAGTNNNNNNNNNNAGGATGGTCTCGATCTCCTGACCTCGTGATCCGCCCGCCTCGGCCTCCCAAAGTGCTGGGATTACAGGCGTGAGCCACCGCGCCCGGCAATAATTTCATTTTCT (NM_201593.3, NM_201597.3); c.291+24_291+25insTTTTTTTTTCTTTTTCTTTTTTTTTTTTTTTTTTTTTTTTGAGACAGAGTCTTGCTGTGTCACCCAGGCTGGAGTGCAGTNNNNNNNNNNAGGATGGTCTCGATCTCCTGACCTCGTGATCCGCCCGCCTCGGCCTCCCAAAGTGCTGGGATTACAGGCGTGAGCCACCGCGCCCGGCAATAATTTCATTTTCT (NM_000724.4, NM_001330060.2); c.294+24_294+25insTTTTTTTTTCTTTTTCTTTTTTTTTTTTTTTTTTTTTTTTGAGACAGAGTCTTGCTGTGTCACCCAGGCTGGAGTGCAGTNNNNNNNNNNAGGATGGTCTCGATCTCCTGACCTCGTGATCCGCCCGCCTCGGCCTCCCAAAGTGCTGGGATTACAGGCGTGAGCCACCGCGCCCGGCAATAATTTCATTTTCT (NM_201590.3); c.312+24_312+25insTTTTTTTTTCTTTTTCTTTTTTTTTTTTTTTTTTTTTTTTGAGACAGAGTCTTGCTGTGTCACCCAGGCTGGAGTGCAGTNNNNNNNNNNAGGATGGTCTCGATCTCCTGACCTCGTGATCCGCCCGCCTCGGCCTCCCAAAGTGCTGGGATTACAGGCGTGAGCCACCGCGCCCGGCAATAATTTCATTTTCT (NM_201570.3).
Identifiers: ClinVar variation 1060428 (VCV001060428.6).

ClinVar aggregate classification (germline): Uncertain significance (1 of 4 stars; one submission).

Conditions:
Brugada syndrome 4 (BRGDA4). Identifiers: Orphanet 130, MedGen C2678477, MONDO:0012743, OMIM 611876.

Submission:

Labcorp Genetics (formerly Invitae), Labcorp
Classification: Uncertain significance for Brugada syndrome 4. Last evaluated: 2020-09-17. Review status: criteria provided, single submitter. Criteria: Invitae Variant Classification Sherloc (09022015). Collection method: clinical testing. Allele origin: germline.
Comment: This variant has not been reported in the literature in individuals with CACNB2-related conditions. This variant is not present in population databases (ExAC no frequency). This sequence change falls in intron 3 of the CACNB2 gene. It does not directly change the encoded amino acid sequence of the CACNB2 protein. Experimental studies and prediction algorithms are not available or were not evaluated, and the functional significance of this variant is currently unknown. In summary, the available evidence is currently insufficient to determine the role of this variant in disease. Therefore, it has been classified as a Variant of Uncertain Significance. Retrotransposon insertions including LINE1 (L1), Alu, and SVA (SINE-VNTR-Alu) have been reported to disrupt protein function (PMID: 19763152, 20307669, 22406018). However the effect of this particular variant is unknown.

Literature cited by the submitters: PubMed 19763152; PubMed 20307669; PubMed 22406018.